The following is an entry in ClinVar:

ClinVar aggregate classification (germline): Likely benign (1 of 4 stars; one submission).

Submission:

CeGaT Center for Human Genetics Tuebingen
Classification: Likely benign. Last evaluated: 2025-04-01. Review status: criteria provided, single submitter. Criteria: CeGaT Center For Human Genetics Tuebingen Variant Classification Criteria Version 2. Collection method: clinical testing. Allele origin: germline. Affected: yes. Observed: 1 variant allele.
Comment: MUC4: BP4, BP7

NM_018406.7(MUC4):c.10632A>C (p.Ser3544=)

Gene: MUC4 (mucin 4, cell surface associated). Cytogenetic location: 3q29.
Variant type: single nucleotide variant.
Coding change: c.10632A>C on transcript NM_018406.7 (MANE Select); coding-DNA position 10632, A replaced by C.
Protein change: p.Ser3544=; no amino-acid change (serine 3544 retained).
Molecular consequence: synonymous variant. On other transcripts: intron variant (2).
Genome position (GRCh38, 1-based): chr3:195,780,948, T>G on the plus strand (A>C on the coding strand, the complement: MUC4 is on the minus strand). VCF-style: chr3-195780948-T-G. GRCh37 (hg19) VCF-style: chr3-195507819-T-G.
Other names: c.83-6643A>C (NM_138297.5); c.83-2493A>C (NM_004532.6).
Identifiers: ClinVar variation 3898714 (VCV003898714.7).